The following is an entry in ClinVar:

ClinVar aggregate classification (germline): Conflicting classifications of pathogenicity. Review status: criteria provided, conflicting classifications (1 of 4 stars). 8 submissions from 8 submitters: Uncertain significance (7); Likely benign (1). Last evaluated 2025-11-24.

Conditions:
BRCA2-related cancer predisposition. Identifiers: MedGen CN377758, MONDO:0700269.
Hereditary cancer-predisposing syndrome. Also called: Neoplastic Syndromes, Hereditary; Tumor predisposition; Hereditary Cancer Syndrome; Hereditary neoplastic syndrome. Identifiers: Orphanet 140162, MedGen C0027672, MeSH D009386, MONDO:0015356.
Hereditary breast ovarian cancer syndrome. Also called: Breast and ovarian cancer; Hereditary breast and ovarian cancer; Hereditary breast and/or ovarian cancer syndrome; BRCA1- and BRCA2-Associated Hereditary Breast and Ovarian Cancer; Hereditary breast and ovarian cancer syndrome; Hereditary breast and ovarian cancer syndrome (HBOC). Identifiers: Orphanet 145, MedGen C0677776, MeSH D061325, MONDO:0003582. Disease mechanism: loss of function.

Allele frequency attached by ClinVar (database versions not stated): gnomAD exomes below 0.00001; gnomAD 0.00001; TOPMed 0.00001.
gnomAD v4.1: 2 of 1,613,772 alleles (0.00012%); highest among the groups gnomAD compares: East Asian, 0.0022%; no homozygotes.

Submissions (8):

Labcorp Genetics (formerly Invitae), Labcorp
Classification: Uncertain significance for Hereditary breast ovarian cancer syndrome. Last evaluated: 2025-11-24. Review status: criteria provided, single submitter. Criteria: Invitae Variant Classification Sherloc (09022015). Collection method: clinical testing. Allele origin: germline.
Comment: This sequence change replaces glycine, which is neutral and non-polar, with aspartic acid, which is acidic and polar, at codon 2569 of the BRCA2 protein (p.Gly2569Asp). This variant is present in population databases (rs587781943, gnomAD 0.006%). This missense change has been observed in individual(s) with hereditary breast and/or ovarian cancer (PMID: 28111427, 29020732, 30287823, 34063308). ClinVar contains an entry for this variant (Variation ID: 141695). Invitae Evidence Modeling of protein sequence and biophysical properties (such as structural, functional, and spatial information, amino acid conservation, physicochemical variation, residue mobility, and thermodynamic stability) indicates that this missense variant is not expected to disrupt BRCA2 protein function with a negative predictive value of 95%. Experimental studies have shown that this missense change does not substantially affect BRCA2 function (PMID: 37731132). In summary, the available evidence is currently insufficient to determine the role of this variant in disease. Therefore, it has been classified as a Variant of Uncertain Significance.

Quest Diagnostics Nichols Institute San Juan Capistrano
Classification: Uncertain significance. Last evaluated: 2025-08-14. Review status: criteria provided, single submitter. Criteria: Quest Diagnostics criteria. Collection method: clinical testing. Allele origin: unknown.
Comment: The BRCA2 c.7706G>A (p.Gly2569Asp) variant has been reported in the published literature in individuals with breast and/or ovarian cancer (PMIDs: 28111427 (2017), 29020732 (2018), 30287823 (2018), 31907386 (2020), 33471991 (2021), see also LOVD) as well as in reportedly unaffected individuals (PMID: 32467295 (2020), 33471991 (2021), see also LOVD). Additionally, this variant has been reported as benign in published functional studies (PMID: 37731132 (2023), 39779857 (2025)). The frequency of this variant in the general population (Genome Aggregation Database) is uninformative in the assessment of its pathogenicity. Analysis of this variant using bioinformatics tools for the prediction of the effect of amino acid changes on protein structure and function yielded conflicting predictions that this variant is benign or damaging. Based on the available information, we are unable to determine the clinical significance of this variant.

Ambry Genetics
Classification: Likely benign for Hereditary cancer-predisposing syndrome. Last evaluated: 2025-03-21. Review status: criteria provided, single submitter. Criteria: Ambry Variant Classification Scheme 2023. Collection method: clinical testing. Allele origin: germline.

All of Us Research Program, National Institutes of Health
Classification: Uncertain significance for BRCA2-related cancer predisposition. Last evaluated: 2024-02-28. Review status: criteria provided, single submitter. Criteria: ACMG Guidelines, 2015. Collection method: clinical testing. Allele origin: germline. Inheritance: Autosomal dominant inheritance. Observed: 1 variant allele, 1 heterozygote.
Comment: This missense variant replaces glycine with aspartic acid at codon 2569 of the BRCA2 protein. Computational prediction suggests that this variant may not impact protein structure and function (internally defined REVEL score threshold <= 0.5, PMID: 27666373). Splice site prediction tools suggest that this variant may not impact RNA splicing. To our knowledge, functional studies have not been performed for this variant. This variant has not been reported in individuals affected with hereditary cancer in the literature. This variant has been identified in 1/251340 chromosomes in the general population by the Genome Aggregation Database (gnomAD). The available evidence is insufficient to determine the role of this variant in disease conclusively. Therefore, this variant is classified as a Variant of Uncertain Significance.

This study involves interpretation of variants in research participants for the purpose of population health screening. Participant phenotype was not available at the time of variant classification. Additional details can be found in publication PMID: 35346344, PMCID: PMC8962531

GeneDx
Classification: Uncertain significance. Last evaluated: 2024-01-18. Review status: criteria provided, single submitter. Criteria: GeneDx Variant Classification Process June 2021. Collection method: clinical testing. Allele origin: germline. Affected: yes.
Comment: Observed in individuals with breast or ovarian cancer, and co-occurred with a BRCA1 pathogenic variant in one case (PMID: 28111427, 29020732, 30415210, 30287823, 31907386, 33471991); Not observed at significant frequency in large population cohorts (gnomAD); In silico analysis supports that this missense variant does not alter protein structure/function; Also known as 7934G>A; This variant is associated with the following publications: (PMID: 29020732, 28111427, 30415210, 32467295, 12228710, 30287823, 31907386, 31269945, 33471991)

Women's Health and Genetics/Laboratory Corporation of America, LabCorp
Classification: Uncertain significance. Last evaluated: 2022-01-11. Review status: criteria provided, single submitter. Criteria: LabCorp Variant Classification Summary - May 2015. Collection method: clinical testing. Allele origin: germline.
Comment: Variant summary: BRCA2 c.7706G>A (p.Gly2569Asp) results in a non-conservative amino acid change located in the Breast cancer type 2 susceptibility protein, helical domain (IPR015252) of the encoded protein sequence. Four of five in-silico tools predict a damaging effect of the variant on protein function. This variant is also known as 7934G>A. The variant allele was found at a frequency of 4e-06 in 251340 control chromosomes (gnomAD). The available data on variant occurrences in the general population are insufficient to allow any conclusion about variant significance. c.7706G>A has been reported in the literature in individuals affected with Hereditary Breast and Ovarian Cancer, and Familial adenomatous polyposis (examples: Park_BRCA_2017, Eoh_2018, Lee_2018, Momozawa_2018, Kim_2019) but it was also reported in unaffected controls (Dong_2021, Dorling_2021). These reports do not provide unequivocal conclusions about association of the variant with Hereditary Breast And Ovarian Cancer Syndrome. At least one co-occurrence with a pathogenic variant has been reported (BRCA1 c.3442delG, p.Glu1148ArgfsX7; Eoh_2018). To our knowledge, no experimental evidence demonstrating an impact on protein function has been reported. Five clinical diagnostic laboratories have submitted clinical-significance assessments for this variant to ClinVar after 2014 and all classified the variant as uncertain significance. Based on the evidence outlined above, the variant was classified as uncertain significance.

St. Jude Molecular Pathology, St. Jude Children's Research Hospital
Classification: Uncertain significance for Hereditary breast ovarian cancer syndrome. Last evaluated: 2021-09-01. Review status: criteria provided, single submitter. Criteria: St. Jude Assertion Criteria 2020. Collection method: clinical testing. Allele origin: germline.

Color Diagnostics, LLC DBA Color Health
Classification: Uncertain significance for Hereditary cancer-predisposing syndrome. Last evaluated: 2019-12-14. Review status: criteria provided, single submitter. Criteria: ACMG Guidelines, 2015. Collection method: clinical testing. Allele origin: germline.
Comment: This missense variant replaces glycine with aspartic acid at codon 2569 of the BRCA2 protein. Computational prediction suggests that this variant may not impact protein structure and function (internally defined REVEL score threshold <= 0.5, PMID: 27666373). Splice site prediction tools suggest that this variant may not impact RNA splicing. To our knowledge, functional studies have not been performed for this variant. This variant has not been reported in individuals affected with hereditary cancer in the literature. This variant has been identified in 1/251340 chromosomes in the general population by the Genome Aggregation Database (gnomAD). The available evidence is insufficient to determine the role of this variant in disease conclusively. Therefore, this variant is classified as a Variant of Uncertain Significance.

Literature cited by the submitters: PubMed 28111427 (cited by 4 submitters); PubMed 29020732 (cited by 4 submitters); PubMed 30287823 (cited by 4 submitters); PubMed 34063308 (cited by Labcorp Genetics (formerly Invitae), Labcorp and Women's Health and Genetics/Laboratory Corporation of America, LabCorp); PubMed 37731132 (cited by Labcorp Genetics (formerly Invitae), Labcorp and Quest Diagnostics Nichols Institute San Juan Capistrano); PubMed 33471991 (cited by Quest Diagnostics Nichols Institute San Juan Capistrano and Women's Health and Genetics/Laboratory Corporation of America, LabCorp); PubMed 31907386 (cited by Quest Diagnostics Nichols Institute San Juan Capistrano); PubMed 32467295 (cited by Quest Diagnostics Nichols Institute San Juan Capistrano and Women's Health and Genetics/Laboratory Corporation of America, LabCorp); PubMed 39779857 (cited by Quest Diagnostics Nichols Institute San Juan Capistrano and Ambry Genetics); PubMed 30415210 (cited by 3 submitters); PubMed 31269945 (cited by Women's Health and Genetics/Laboratory Corporation of America, LabCorp).

NM_000059.4(BRCA2):c.7706G>A (p.Gly2569Asp)

Gene: BRCA2 (BRCA2 DNA repair associated; plus strand). Cytogenetic location: 13q13.1.
Variant type: single nucleotide variant.
Coding change: c.7706G>A on transcript NM_000059.4 (MANE Select); coding-DNA position 7706, G replaced by A.
Protein change: p.Gly2569Asp; replaces glycine 2569 with aspartic acid.
Molecular consequence: missense variant.
Genome position (GRCh38, 1-based): chr13:32,357,830, G>A. VCF-style: chr13-32357830-G-A. GRCh37 (hg19) VCF-style: chr13-32931967-G-A.
Other names: short protein forms G2569D.
Identifiers: ClinVar variation 141695 (VCV000141695.31), dbSNP rs587781943, ClinGen allele CA025238.